The following is an entry in ClinVar:

NM_005477.3(HCN4):c.2545G>T (p.Val849Leu)

Gene: HCN4 (hyperpolarization activated cyclic nucleotide gated potassium channel 4; minus strand). Cytogenetic location: 15q24.1.
Variant type: single nucleotide variant.
Coding change: c.2545G>T on transcript NM_005477.3 (MANE Select); coding-DNA position 2545, G replaced by T.
Protein change: p.Val849Leu; replaces valine 849 with leucine.
Molecular consequence: missense variant.
Genome position (GRCh38, 1-based): chr15:73,323,548, C>A on the plus strand (G>T on the coding strand, the complement: HCN4 is on the minus strand). VCF-style: chr15-73323548-C-A. GRCh37 (hg19) VCF-style: chr15-73615889-C-A.
Other names: short protein forms V849L.
Identifiers: ClinVar variation 191451 (VCV000191451.8), dbSNP rs202138767, ClinGen allele CA236699.
Genomic context (GRCh38, chr15:73,323,548, plus strand): 5'-CGGGGGCAGAGAATCCAGCCAGCTGTTGGATGTGGAAGGAGGATGAAGACGGTGTGTCCA[C>A]CTGGGACGGGCTGCTGGCGGGCGAGGCGGAGCCCAGCGCAGAAGGGATCAGGGACTGCAG-3'
Protein context (NP_005468.1, residues 839-859): SASPASSPSQ[Val849Leu]DTPSSSSFHI

ClinVar aggregate classification (germline): Uncertain significance. Review status: criteria provided, multiple submitters, no conflicts (2 of 4 stars). 2 submissions from 2 submitters: Uncertain significance (2). Last evaluated 2024-08-15.

Conditions:
Brugada syndrome 8 (BRGDA8). Identifiers: Orphanet 130, MedGen C2751083, MONDO:0013148, OMIM 613123.

Allele frequency attached by ClinVar (database versions not stated): gnomAD 0.00001; TOPMed 0.00001.
gnomAD v4.1: 24 of 1,600,840 alleles (0.0015%); highest among the groups gnomAD compares: Non-Finnish European, 0.002%; no homozygotes.

Submissions (2):

Labcorp Genetics (formerly Invitae), Labcorp
Classification: Uncertain significance for Brugada syndrome 8. Last evaluated: 2024-08-15. Review status: criteria provided, single submitter. Criteria: Invitae Variant Classification Sherloc (09022015). Collection method: clinical testing. Allele origin: germline.
Comment: This sequence change replaces valine, which is neutral and non-polar, with leucine, which is neutral and non-polar, at codon 849 of the HCN4 protein (p.Val849Leu). The frequency data for this variant in the population databases is considered unreliable, as metrics indicate poor data quality at this position in the gnomAD database. This variant has not been reported in the literature in individuals affected with HCN4-related conditions. ClinVar contains an entry for this variant (Variation ID: 191451). Invitae Evidence Modeling of protein sequence and biophysical properties (such as structural, functional, and spatial information, amino acid conservation, physicochemical variation, residue mobility, and thermodynamic stability) indicates that this missense variant is not expected to disrupt HCN4 protein function with a negative predictive value of 80%. In summary, the available evidence is currently insufficient to determine the role of this variant in disease. Therefore, it has been classified as a Variant of Uncertain Significance.

Biesecker Lab/Clinical Genomics Section, National Institutes of Health
Classification: Uncertain significance. Last evaluated: 2013-06-24. Review status: criteria provided, single submitter. Criteria: Ng et al. (Circ Cardiovasc Genet. 2013). Collection method: research. Allele origin: unknown. Observed: 1 variant allele. Study: ClinSeq.
Comment: The study set was not selected for affection status in relation to any cancer. Pathogenicity categories were based on literature curation. See Pubmed ID:23861362 for details.

Medical sequencing